The following is an entry in ClinVar:

ClinVar aggregate classification (germline): Conflicting classifications of pathogenicity. Review status: criteria provided, conflicting classifications (1 of 4 stars). 3 submissions from 3 submitters: Uncertain significance (2); Likely benign (1). Last evaluated 2025-10-04.

Conditions:
Hereditary breast ovarian cancer syndrome. Also called: Hereditary breast and ovarian cancer syndrome; BRCA1- and BRCA2-Associated Hereditary Breast and Ovarian Cancer; Hereditary breast and ovarian cancer; Hereditary breast and ovarian cancer syndrome (HBOC); Breast and ovarian cancer; Hereditary breast and/or ovarian cancer syndrome. Identifiers: Orphanet 145, MedGen C0677776, MeSH D061325, MONDO:0003582. Disease mechanism: loss of function.
Hereditary cancer-predisposing syndrome. Also called: Neoplastic Syndromes, Hereditary; Tumor predisposition; Hereditary Cancer Syndrome; Hereditary neoplastic syndrome. Identifiers: Orphanet 140162, MedGen C0027672, MeSH D009386, MONDO:0015356.

Submissions (3):

Labcorp Genetics (formerly Invitae), Labcorp
Classification: Uncertain significance for Hereditary breast ovarian cancer syndrome. Last evaluated: 2025-10-04. Review status: criteria provided, single submitter. Criteria: Invitae Variant Classification Sherloc (09022015). Collection method: clinical testing. Allele origin: germline.
Comment: This sequence change replaces histidine, which is basic and polar, with tyrosine, which is neutral and polar, at codon 477 of the BRCA2 protein (p.His477Tyr). This variant is not present in population databases (gnomAD no frequency). This variant has not been reported in the literature in individuals affected with BRCA2-related conditions. ClinVar contains an entry for this variant (Variation ID: 924721). Invitae Evidence Modeling of protein sequence and biophysical properties (such as structural, functional, and spatial information, amino acid conservation, physicochemical variation, residue mobility, and thermodynamic stability) indicates that this missense variant is not expected to disrupt BRCA2 protein function with a negative predictive value of 95%. In summary, the available evidence is currently insufficient to determine the role of this variant in disease. Therefore, it has been classified as a Variant of Uncertain Significance.

University of Washington Department of Laboratory Medicine, University of Washington
Classification: Likely benign for Hereditary cancer-predisposing syndrome. Last evaluated: 2023-03-23. Review status: criteria provided, single submitter. Criteria: Dines et al. (Genet Med. 2020). Collection method: curation. Allele origin: germline.
Comment: Missense variant in a coldspot region where missense variants are very unlikely to be pathogenic (PMID:31911673).

BRCA2 exon 10 coldspot. Reclassification based on statistical prior probability.

Color Diagnostics, LLC DBA Color Health
Classification: Uncertain significance for Hereditary cancer-predisposing syndrome. Last evaluated: 2020-02-14. Review status: criteria provided, single submitter. Criteria: ACMG Guidelines, 2015. Collection method: clinical testing. Allele origin: germline.
Comment: This missense variant replaces histidine with tyrosine at codon 477 of the BRCA2 protein. Computational prediction suggests that this variant may not impact protein structure and function (internally defined REVEL score threshold <= 0.5, PMID: 27666373). Splice site prediction tools suggest that this variant may not impact RNA splicing. To our knowledge, functional studies have not been performed for this variant. This variant has not been reported in individuals affected with hereditary cancer in the literature. This variant has not been identified in the general population by the Genome Aggregation Database (gnomAD). The available evidence is insufficient to determine the role of this variant in disease conclusively. Therefore, this variant is classified as a Variant of Uncertain Significance.

NM_000059.4(BRCA2):c.1429C>T (p.His477Tyr)

Gene: BRCA2 (BRCA2 DNA repair associated; plus strand). Cytogenetic location: 13q13.1.
Variant type: single nucleotide variant.
Coding change: c.1429C>T on transcript NM_000059.4 (MANE Select); coding-DNA position 1429, C replaced by T.
Protein change: p.His477Tyr; replaces histidine 477 with tyrosine.
Molecular consequence: missense variant.
Genome position (GRCh38, 1-based): chr13:32,332,907, C>T. VCF-style: chr13-32332907-C-T. GRCh37 (hg19) VCF-style: chr13-32907044-C-T.
Other names: short protein forms H477Y.
Identifiers: ClinVar variation 924721 (VCV000924721.6), dbSNP rs2072412671, ClinGen allele CA387764258.